The following is an entry in ClinVar:

ClinVar aggregate classification (germline): Pathogenic (1 of 4 stars; one submission).

Conditions:
Familial adenomatous polyposis 1 (FAP1). Also called: FAMILIAL ADENOMATOUS POLYPOSIS 1, ATTENUATED; POLYPOSIS, ADENOMATOUS INTESTINAL. Identifiers: MedGen C2713442, MONDO:0021056, OMIM 175100. Disease mechanism: loss of function.

Submission:

Myriad Genetics, Inc.
Classification: Pathogenic for Familial adenomatous polyposis 1. Last evaluated: 2023-05-11. Review status: criteria provided, single submitter. Criteria: Myriad Autosomal Dominant, Autosomal Recessive and X-Linked Classification Criteria (2023). Collection method: clinical testing. Allele origin: unknown.
Comment: This variant is considered pathogenic. This variant creates a frameshift predicted to result in premature protein truncation.

NM_000038.6(APC):c.4644_4653del (p.Asn1548fs)

Gene: APC (APC regulator of Wnt signaling pathway; plus strand). Cytogenetic location: 5q22.2.
Variant type: Deletion.
Coding change: c.4644_4653del on transcript NM_000038.6 (MANE Select); coding-DNA positions 4644 to 4653, 10 bases deleted (CCAAGAGAAA; older notation c.4644_4653delCCAAGAGAAA).
Protein change: p.Asn1548fs; shifts the reading frame from asparagine 1548.
Molecular consequence: frameshift variant. On other transcripts: non-coding transcript variant (2).
Genome position (GRCh38, 1-based): chr5:112,840,238-112,840,247, CCAAGAGAAA deleted; deleting any 10 consecutive bases within chr5:112,840,235-112,840,247 gives the same sequence; the c. name uses the placement nearest the transcript's 3' end. VCF-style (leftmost placement, unchanged base first): chr5-112840234-AAAACCAAGAG-A. GRCh37 (hg19) VCF-style: chr5-112175931-AAAACCAAGAG-A.
Other names: c.4644_4653del, p.Asn1548fs (NM_001127510.3, NM_001354895.2, NM_001407450.1); c.4590_4599del, p.Asn1530fs (NM_001127511.3); c.4698_4707del, p.Asn1566fs (NM_001354896.2, NM_001407447.1, NM_001407448.1 and 1 more transcripts); c.4674_4683del, p.Asn1558fs (NM_001354897.2); c.4569_4578del, p.Asn1523fs (NM_001354898.2); c.4560_4569del, p.Asn1520fs (NM_001354899.2); c.4521_4530del, p.Asn1507fs (NM_001354900.2); c.4467_4476del, p.Asn1489fs (NM_001354901.2, NM_001407453.1); and 11 more; short protein forms N1164fs, N1265fs, N1388fs, N1419fs, N1422fs, N1447fs, N1457fs, N1465fs.
Identifiers: ClinVar variation 2583952 (VCV002583952.1), dbSNP rs2533588410, ClinGen allele CA2582341329.